The following is an entry in ClinVar:

ClinVar aggregate classification (germline): Uncertain significance (1 of 4 stars; one submission).

Allele frequency attached by ClinVar (database versions not stated): gnomAD exomes below 0.00001; ExAC 0.00002.
gnomAD v4.1: 1 of 1,597,248 alleles (0.000063%); highest among the groups gnomAD compares: South Asian, 0.0011%; no homozygotes.

Submission:

Labcorp Genetics (formerly Invitae), Labcorp
Classification: Uncertain significance. Last evaluated: 2022-11-15. Review status: criteria provided, single submitter. Criteria: Invitae Variant Classification Sherloc (09022015). Collection method: clinical testing. Allele origin: germline.
Comment: Algorithms developed to predict the effect of sequence changes on RNA splicing suggest that this variant may create or strengthen a splice site. In summary, the available evidence is currently insufficient to determine the role of this variant in disease. Therefore, it has been classified as a Variant of Uncertain Significance. This sequence change replaces histidine, which is basic and polar, with leucine, which is neutral and non-polar, at codon 239 of the RLBP1 protein (p.His239Leu). The frequency data for this variant in the population databases is considered unreliable, as metrics indicate poor data quality at this position in the gnomAD database. This variant has not been reported in the literature in individuals affected with RLBP1-related conditions. ClinVar contains an entry for this variant (Variation ID: 934316). Advanced modeling of protein sequence and biophysical properties (such as structural, functional, and spatial information, amino acid conservation, physicochemical variation, residue mobility, and thermodynamic stability) performed at Invitae indicates that this missense variant is not expected to disrupt RLBP1 protein function.

NM_000326.5(RLBP1):c.716A>T (p.His239Leu)

Gene: RLBP1 (retinaldehyde binding protein 1; minus strand). Cytogenetic location: 15q26.1.
Variant type: single nucleotide variant.
Coding change: c.716A>T on transcript NM_000326.5 (MANE Select); coding-DNA position 716, A replaced by T.
Protein change: p.His239Leu; replaces histidine 239 with leucine.
Molecular consequence: missense variant.
Genome position (GRCh38, 1-based): chr15:89,210,778, T>A on the plus strand (A>T on the coding strand, the complement: RLBP1 is on the minus strand). VCF-style: chr15-89210778-T-A. GRCh37 (hg19) VCF-style: chr15-89754009-T-A.
Other names: short protein forms H239L.
Identifiers: ClinVar variation 934316 (VCV000934316.9), dbSNP rs780578200, ClinGen allele CA7722205.